The following is an entry in ClinVar:

ClinVar aggregate classification (germline): Pathogenic/Likely pathogenic. Review status: criteria provided, multiple submitters, no conflicts (2 of 4 stars). 13 submissions from 13 submitters: Pathogenic (9); Likely pathogenic (1). 3 of the submissions do not count toward it. Last evaluated 2026-05-13.

Conditions:
MPZ-related disorder. Also called: MPZ-related condition; MPZ-related disorders.
Inborn genetic diseases. Identifiers: MedGen C0950123, MeSH D030342.
Charcot-Marie-Tooth disease. Also called: Charcot-Marie-Tooth Neuropathy; Charcot-Marie-Tooth Hereditary Neuropathy. Identifiers: Orphanet 166, MedGen C0007959, MONDO:0015626.
Charcot-Marie-Tooth disease, type I (CMT1). Also called: Charcot-Marie-Tooth, Type 1; Charcot-Marie-Tooth disease type 1. Identifiers: Orphanet 65753, MedGen C0751036, MONDO:0019011.
Charcot-Marie-Tooth disease type 1B. Also called: HEREDITARY MOTOR AND SENSORY NEUROPATHY I; HEREDITARY MOTOR AND SENSORY NEUROPATHY IB; PERONEAL MUSCULAR ATROPHY; Charcot-Marie-Tooth disease, demyelinating, type 1b; Hereditary motor and sensory neuropathy 1B; Charcot-Marie-Tooth disease, type IB. Identifiers: Orphanet 101082, MedGen C0270912, MONDO:0007307, OMIM 118200.

Allele frequency attached by ClinVar (database versions not stated): gnomAD 0.00001; TOPMed 0.00001.
gnomAD v4.1: 1 of 1,614,076 alleles (0.000062%); highest among the groups gnomAD compares: African/African-American, 0.0013%; no homozygotes.

Submissions (13):

PreventionGenetics, part of Exact Sciences
Classification: Pathogenic for MPZ-related condition. Last evaluated: 2026-05-13. Review status: criteria provided, single submitter. Criteria: ACMG Guidelines, 2015. Collection method: clinical testing. Allele origin: germline.
Comment: The MPZ c.487G>C variant is predicted to result in the amino acid substitution p.Gly163Arg. This variant has been reported to segregate in multiple unrelated families with Charcot-Marie-Tooth disease (CMT, Street et al. 2002. PubMed ID: 12207932; Eggers et al. 2004. PubMed ID: 15170620; Caress et al. 2019. PubMed ID: 30920665). In vitro functional studies demonstrate expression of this variant impacts MPZ dimerization (described as G134R, Plotkowski et al. 2007. PubMed ID: 17915947). This variant has not been reported in a large population database (gnomAD), indicating it is rare. Additionally, a different substitution that results in the same amino acid change (c.487G>A) has also been reported in individuals with CMT (see example: Werheid et al. 2016. PubMed ID: 27088055). Taken together, the c.487G>C (p.Gly163Arg) variant is interpreted as pathogenic.

Labcorp Genetics (formerly Invitae), Labcorp
Classification: Pathogenic for Charcot-Marie-Tooth disease, type I. Last evaluated: 2026-01-13. Review status: criteria provided, single submitter. Criteria: Invitae Variant Classification Sherloc (09022015). Collection method: clinical testing. Allele origin: germline.
Comment: This sequence change replaces glycine, which is neutral and non-polar, with arginine, which is basic and polar, at codon 163 of the MPZ protein (p.Gly163Arg). This variant is not present in population databases (gnomAD no frequency). This missense change has been observed in individuals with Charcot-Marie-Tooth type 1 (CMT1) (PMID: 12207932, 15170620). It has also been observed to segregate with disease in related individuals. Invitae Evidence Modeling of clinical and family history, age, sex, and reported ancestry of multiple individuals with this MPZ variant has been performed. This variant is expected to be pathogenic with a positive predictive value of at least 99%. This is a validated machine learning model that incorporates the clinical features of 13,236 individuals referred to our laboratory for MPZ testing. ClinVar contains an entry for this variant (Variation ID: 41022). Invitae Evidence Modeling of protein sequence and biophysical properties (such as structural, functional, and spatial information, amino acid conservation, physicochemical variation, residue mobility, and thermodynamic stability) indicates that this missense variant is expected to disrupt MPZ protein function with a positive predictive value of 80%. For these reasons, this variant has been classified as Pathogenic.

Women's Health and Genetics/Laboratory Corporation of America, LabCorp
Classification: Pathogenic for Charcot-Marie-Tooth disease type 1B. Last evaluated: 2025-03-03. Review status: criteria provided, single submitter. Criteria: LabCorp Variant Classification Summary - May 2015. Collection method: clinical testing. Allele origin: germline.
Comment: Variant summary: MPZ c.487G>C (p.Gly163Arg) results in a non-conservative amino acid change in the encoded protein sequence. Five of five in-silico tools predict a damaging effect of the variant on protein function. The variant was absent in 250460 control chromosomes. c.487G>C has been reported in the literature in multiple individuals affected with Charcot-Marie-Tooth disease type 1 (examples: Street_2002, Eggers_2004). These data indicate that the variant is very likely to be associated with disease. The following publications have been ascertained in the context of this evaluation (PMID: 15170620, 12207932). ClinVar contains an entry for this variant (Variation ID: 41022). Based on the evidence outlined above, the variant was classified as pathogenic.

Athena Diagnostics
Classification: Pathogenic. Last evaluated: 2024-01-18. Review status: criteria provided, single submitter. Criteria: Athena Diagnostics Criteria. Collection method: clinical testing. Allele origin: unknown.
Comment: Frequency of this variant in the general population is consistent with pathogenicity. This variant segregates with CMT in multiple families. This variant has been referred to as both p.Gly134Arg and p.Gly173Arg in published literature. Assessment of experimental evidence suggests this variant results in abnormal protein function. (PMID: 17915947)

Mayo Clinic Laboratories, Mayo Clinic
Classification: Pathogenic. Last evaluated: 2023-11-20. Review status: criteria provided, single submitter. Criteria: ACMG Guidelines, 2015. Collection method: clinical testing. Allele origin: germline. Observed: 1 variant allele.
Comment: PP1_strong, PP3, PM2_moderate, PS1, PS4

GeneDx
Classification: Pathogenic. Last evaluated: 2022-04-20. Review status: criteria provided, single submitter. Criteria: GeneDx Variant Classification Process June 2021. Collection method: clinical testing. Allele origin: germline. Affected: yes.
Comment: Published functional studies demonstrate that G163R (referred to as G134R due to alternative nomenclature) causes a loss of dimerization and oligomerization ability, thus impairing protein function (Plotkowski et al., 2007); In silico analysis, which includes protein predictors and evolutionary conservation, supports a deleterious effect; Not observed at significant frequency in large population cohorts (gnomAD); The majority of missense variants in this gene are considered pathogenic (HGMD); This variant is associated with the following publications: (PMID: 14711881, 26135405, 15170620, 34232518, 27614573, 12207932, 16414078, 18611372, 17915947, 30920665, 20461396, 26310628, 33179255, 33359733)

Ambry Genetics
Classification: Pathogenic for Inborn genetic diseases. Last evaluated: 2022-01-24. Review status: criteria provided, single submitter. Criteria: Ambry Variant Classification Scheme 2023. Collection method: clinical testing. Allele origin: germline.
Comment: The c.487G>C (p.G163R) alteration is located in exon 4 (coding exon 4) of the MPZ gene. This alteration results from a G to C substitution at nucleotide position 487, causing the glycine (G) at amino acid position 163 to be replaced by an arginine (R). This variant has been shown to segregate with Charcot-Marie-Tooth (CMT) disease in multiple families (Eggers, 2004; van Doormaal, 2016; Street, 2002). It has also been identified in a cohort of kindred descended from a single common ancestor (Caress, 2019). A different nucleotide substitution (c.487G>A) that results in the same amino acid change (p.G163R) has been reported in association with CMT (Nelis, 1996; Numakura, 2002; Werheid, 2016). Based on the available evidence, this alteration is classified as pathogenic.

Greenwood Genetic Center Diagnostic Laboratories, Greenwood Genetic Center
Classification: Pathogenic. Last evaluated: 2020-11-03. Review status: criteria provided, single submitter. Criteria: ACMG Guidelines, 2015. Collection method: clinical testing. Allele origin: germline. Affected: yes.
Comment: PS3, PS4

CeGaT Center for Human Genetics Tuebingen
Classification: Pathogenic. Last evaluated: 2019-09-01. Review status: criteria provided, single submitter. Criteria: CeGaT Center For Human Genetics Tuebingen Variant Classification Criteria Version 2. Collection method: clinical testing. Allele origin: germline. Affected: yes. Observed: 1 variant allele.

Eurofins Ntd Llc (ga)
Classification: Likely pathogenic. Last evaluated: 2015-08-14. Review status: criteria provided, single submitter. Criteria: EGL Classification Definitions 2015. Collection method: clinical testing. Allele origin: germline. Observed: 3 variant alleles, 3 heterozygotes.

Genesis Genome Database
Classification: Uncertain significance for Charcot-Marie-Tooth disease. Last evaluated: 2019-08-14. Review status: no assertion criteria provided. Collection method: research. Allele origin: germline. Affected: yes. Not counted in ClinVar's aggregate classification.

GeneReviews
No classification provided. Condition: Charcot-Marie-Tooth disease type 1B. Review status: no classification provided. Collection method: literature only. Allele origin: unknown. Not counted in ClinVar's aggregate classification.

Inherited Neuropathy Consortium
Classification: Uncertain significance for Charcot-Marie-Tooth disease. Review status: no assertion criteria provided. Collection method: literature only. Allele origin: germline. Affected: yes. Not counted in ClinVar's aggregate classification.

Literature cited by the submitters: PubMed 12207932 (cited by 6 submitters); PubMed 15170620 (cited by 5 submitters); PubMed 30920665 (cited by 3 submitters); PubMed 27614573 (cited by 3 submitters); PubMed 17915947 (cited by Athena Diagnostics); PubMed 32399692 (cited by Athena Diagnostics); PubMed 9888385 (cited by Mayo Clinic Laboratories, Mayo Clinic); PubMed 8800924 (cited by Ambry Genetics); PubMed 12402337 (cited by Ambry Genetics); PubMed 27088055 (cited by Ambry Genetics); PubMed 20301384 (cited by GeneReviews); NCBI Bookshelf NBK1205 (cited by GeneReviews).

NM_000530.8(MPZ):c.487G>C (p.Gly163Arg)

Gene: MPZ (myelin protein zero; minus strand). Cytogenetic location: 1q23.3.
Variant type: single nucleotide variant.
Coding change: c.487G>C on transcript NM_000530.8 (MANE Select); coding-DNA position 487, G replaced by C.
Protein change: p.Gly163Arg; replaces glycine 163 with arginine.
Molecular consequence: missense variant.
Genome position (GRCh38, 1-based): chr1:161,306,426, C>G on the plus strand (G>C on the coding strand, the complement: MPZ is on the minus strand). VCF-style: chr1-161306426-C-G. GRCh37 (hg19) VCF-style: chr1-161276216-C-G.
Other names: c.487G>C, p.Gly163Arg (NM_001315491.2); c.487G>C (LRG_256t1, NM_000530.7); short protein forms G163R.
Identifiers: ClinVar variation 41022 (VCV000041022.72), dbSNP rs281865128, ClinGen allele CA339741.